The following is an entry in ClinVar:

NM_032608.7(MYO18B):c.4348C>T (p.Arg1450Cys)

Genes: MYO18B (myosin XVIIIB; plus strand), MYO18B-AS1 (MYO18B antisense RNA 1; minus strand). Cytogenetic location: 22q12.1.
Variant type: single nucleotide variant.
Coding change: c.4348C>T on transcript NM_032608.7 (MANE Select); coding-DNA position 4348, C replaced by T.
Protein change: p.Arg1450Cys; replaces arginine 1450 with cysteine.
Molecular consequence: missense variant.
Genome position (GRCh38, 1-based): chr22:25,890,789, C>T. VCF-style: chr22-25890789-C-T. GRCh37 (hg19) VCF-style: chr22-26286756-C-T.
Other names: c.4351C>T, p.Arg1451Cys (NM_001318245.2); c.4348C>T (NM_032608.6); short protein forms R1450C, R1451C.
Identifiers: ClinVar variation 1421865 (VCV001421865.5), dbSNP rs527443272, ClinGen allele CA10160859.

ClinVar aggregate classification (germline): Uncertain significance. Review status: criteria provided, single submitter (1 of 4 stars). 2 submissions from 2 submitters: Uncertain significance (1). 1 of the submissions does not count toward it. Last evaluated 2025-07-10.

Conditions:
MYO18B-related disorder. Also called: MYO18B-related condition.

Allele frequency attached by ClinVar (database versions not stated): gnomAD exomes 0.00002 and 0.00008; gnomAD 0.00004; TOPMed 0.00005; ExAC 0.00007; 1000 Genomes Project 30x 0.00016; 1000 Genomes Project 0.00020.
gnomAD v4.1: 45 of 1,613,920 alleles (0.0028%); highest among the groups gnomAD compares: East Asian, 0.011%; no homozygotes.

Submissions (2):

Labcorp Genetics (formerly Invitae), Labcorp
Classification: Uncertain significance. Last evaluated: 2025-07-10. Review status: criteria provided, single submitter. Criteria: Invitae Variant Classification Sherloc (09022015). Collection method: clinical testing. Allele origin: germline.
Comment: This sequence change replaces arginine, which is basic and polar, with cysteine, which is neutral and slightly polar, at codon 1450 of the MYO18B protein (p.Arg1450Cys). This variant is present in population databases (rs527443272, gnomAD 0.06%). This variant has not been reported in the literature in individuals affected with MYO18B-related conditions. ClinVar contains an entry for this variant (Variation ID: 1421865). An algorithm developed to predict the effect of missense changes on protein structure and function (PolyPhen-2) suggests that this variant is likely to be disruptive. In summary, the available evidence is currently insufficient to determine the role of this variant in disease. Therefore, it has been classified as a Variant of Uncertain Significance.

PreventionGenetics, part of Exact Sciences
Classification: Uncertain significance for MYO18B-related condition. Last evaluated: 2024-09-10. Review status: no assertion criteria provided. Collection method: clinical testing. Allele origin: germline. Not counted in ClinVar's aggregate classification.
Comment: The MYO18B c.4348C>T variant is predicted to result in the amino acid substitution p.Arg1450Cys. To our knowledge, this variant has not been reported in the literature. This variant is reported in 0.061% of alleles in individuals of East Asian descent in gnomAD. Although we suspect that this variant may be benign, at this time, the clinical significance of this variant is uncertain due to the absence of conclusive functional and genetic evidence.